The following is an entry in ClinVar:

ClinVar aggregate classification (germline): Pathogenic/Likely pathogenic. Review status: criteria provided, multiple submitters, no conflicts (2 of 4 stars). 3 submissions from 3 submitters: Pathogenic (1); Likely pathogenic (2). Last evaluated 2023-04-11.

Conditions:
Glycogen storage disease type III (GSD3). Also called: FORBES DISEASE; Cori disease. Identifiers: Orphanet 366, MedGen C0017922, MONDO:0009291, OMIM 232400.

Submissions (3):

Genome-Nilou Lab
Classification: Likely pathogenic for Glycogen storage disease type III. Last evaluated: 2023-04-11. Review status: criteria provided, single submitter. Criteria: ACMG Guidelines, 2015. Collection method: clinical testing. Allele origin: germline. Affected: no.

Labcorp Genetics (formerly Invitae), Labcorp
Classification: Pathogenic for Glycogen storage disease type III. Last evaluated: 2023-01-05. Review status: criteria provided, single submitter. Criteria: Invitae Variant Classification Sherloc (09022015). Collection method: clinical testing. Allele origin: germline.
Comment: This variant is not present in population databases (gnomAD no frequency). This sequence change creates a premature translational stop signal (p.Ser636*) in the AGL gene. It is expected to result in an absent or disrupted protein product. Loss-of-function variants in AGL are known to be pathogenic (PMID: 19299494). This variant has not been reported in the literature in individuals affected with AGL-related conditions. ClinVar contains an entry for this variant (Variation ID: 1725162). For these reasons, this variant has been classified as Pathogenic.

Myriad Genetics, Inc.
Classification: Likely pathogenic for Glycogen storage disease type III. Last evaluated: 2022-03-11. Review status: criteria provided, single submitter. Criteria: Myriad Women's Health Autosomal Recessive and X-Linked Classification Criteria (2021). Collection method: clinical testing. Allele origin: unknown.
Comment: NM_000642.2(AGL):c.1907C>G(S636*) is expected to be pathogenic in the context of glycogen storage disease type III. This variant is predicted to lead to an abnormal or absent protein product due to the creation of a premature termination codon in AGL, a gene where loss-of-function variants are known to be pathogenic. Please note: this variant was assessed in the context of healthy population screening.

Literature cited by the submitters: PubMed 19299494 (cited by Labcorp Genetics (formerly Invitae), Labcorp).

NM_000642.3(AGL):c.1907C>G (p.Ser636Ter)

Gene: AGL (amylo-alpha-1,6-glucosidase and 4-alpha-glucanotransferase; plus strand). Cytogenetic location: 1p21.2.
Variant type: single nucleotide variant.
Coding change: c.1907C>G on transcript NM_000642.3 (MANE Select); coding-DNA position 1907, C replaced by G.
Protein change: p.Ser636Ter; replaces serine 636 with a stop codon.
Molecular consequence: nonsense.
Genome position (GRCh38, 1-based): chr1:99,881,083, C>G. VCF-style: chr1-99881083-C-G. GRCh37 (hg19) VCF-style: chr1-100346639-C-G.
Other names: c.1907C>G, p.Ser636Ter (NM_000028.3, NM_000643.3, NM_000644.3 and 2 more transcripts); c.1859C>G, p.Ser620Ter (NM_000646.3); c.1706C>G, p.Ser569Ter (NM_001425327.1); c.1703C>G, p.Ser568Ter (NM_001425328.1, NM_001425329.1); c.1529C>G, p.Ser510Ter (NM_001425332.1); short protein forms S620*, S636*, S510*, S568*, S569*.
Identifiers: ClinVar variation 1725162 (VCV001725162.8), dbSNP rs2524647813, ClinGen allele CA341317847.